The following is an entry in ClinVar:

NM_177438.3(DICER1):c.2449C>G (p.Pro817Ala)

Gene: DICER1 (dicer 1, ribonuclease III; minus strand). Cytogenetic location: 14q32.13.
Variant type: single nucleotide variant.
Coding change: c.2449C>G on transcript NM_177438.3 (MANE Select); coding-DNA position 2449, C replaced by G.
Protein change: p.Pro817Ala; replaces proline 817 with alanine.
Molecular consequence: missense variant.
Genome position (GRCh38, 1-based): chr14:95,108,081, G>C on the plus strand (C>G on the coding strand, the complement: DICER1 is on the minus strand). VCF-style: chr14-95108081-G-C. GRCh37 (hg19) VCF-style: chr14-95574418-G-C.
Other names: c.2449C>G, p.Pro817Ala (NM_001195573.1, NM_001271282.3, NM_001291628.2 and 1 more transcripts); short protein forms P817A.
Identifiers: ClinVar variation 1410436 (VCV001410436.10), dbSNP rs774540239, ClinGen allele CA7331232.

ClinVar aggregate classification (germline): Uncertain significance. Review status: criteria provided, multiple submitters, no conflicts (2 of 4 stars). 3 submissions from 3 submitters: Uncertain significance (3). Last evaluated 2025-03-25.

Conditions:
Hereditary cancer-predisposing syndrome. Also called: Hereditary neoplastic syndrome; Neoplastic Syndromes, Hereditary; Hereditary Cancer Syndrome; Tumor predisposition. Identifiers: Orphanet 140162, MedGen C0027672, MeSH D009386, MONDO:0015356.
Euthyroid goiter (MNG1). Also called: MULTINODULAR GOITER, ADOLESCENT; SIMPLE GOITER; Goiter, multinodular 1, with or without Sertoli-Leydig cell tumors; GOITER, NONTOXIC, WITH INTRATHYROIDAL CALCIFICATION. Identifiers: Orphanet 276399, MedGen C0302859, MONDO:0007681, OMIM 138800, HP:0009798.
Rhabdomyosarcoma, embryonal, 2 (RMSE2). Identifiers: MedGen C1867234, MONDO:0859046, OMIM 180295.
Pleuropulmonary blastoma (PPB). Identifiers: Orphanet 64742, MedGen C1266144, MONDO:0011014, OMIM 601200, HP:0100528.
Global developmental delay - lung cysts - overgrowth - Wilms tumor syndrome. Also called: GLOBAL DEVELOPMENTAL DELAY, LUNG CYSTS, OVERGROWTH, AND WILMS TUMOR; GLOW Syndrome. Identifiers: Orphanet 404476, MedGen C4748924, MONDO:0018445, OMIM 618272.
DICER1-related tumor predisposition. Also called: DICER1-related pleuropulmonary blastoma cancer predisposition syndrome; DICER1 syndrome. Identifiers: Orphanet 284343, MedGen C3839822, MONDO:0100216.

Allele frequency attached by ClinVar (database versions not stated): gnomAD exomes below 0.00001; ExAC 0.00001; gnomAD 0.00001.
gnomAD v4.1: 3 of 1,612,530 alleles (0.00019%); highest among the groups gnomAD compares: Admixed American, 0.0017%; no homozygotes.

Submissions (3):

Labcorp Genetics (formerly Invitae), Labcorp
Classification: Uncertain significance for DICER1-related tumor predisposition. Last evaluated: 2025-03-25. Review status: criteria provided, single submitter. Criteria: Invitae Variant Classification Sherloc (09022015). Collection method: clinical testing. Allele origin: germline.
Comment: This sequence change replaces proline, which is neutral and non-polar, with alanine, which is neutral and non-polar, at codon 817 of the DICER1 protein (p.Pro817Ala). This variant is present in population databases (rs774540239, gnomAD 0.004%). This variant has not been reported in the literature in individuals affected with DICER1-related conditions. ClinVar contains an entry for this variant (Variation ID: 1410436). Invitae Evidence Modeling of protein sequence and biophysical properties (such as structural, functional, and spatial information, amino acid conservation, physicochemical variation, residue mobility, and thermodynamic stability) has been performed for this missense variant. However, the output from this modeling did not meet the statistical confidence thresholds required to predict the impact of this variant on DICER1 protein function. In summary, the available evidence is currently insufficient to determine the role of this variant in disease. Therefore, it has been classified as a Variant of Uncertain Significance.

Fulgent Genetics
Classification: Uncertain significance for Euthyroid goiter; Rhabdomyosarcoma, embryonal, 2; Pleuropulmonary blastoma; Global developmental delay - lung cysts - overgrowth - Wilms tumor syndrome. Last evaluated: 2024-02-22. Review status: criteria provided, single submitter. Criteria: ACMG Guidelines, 2015. Collection method: clinical testing. Allele origin: germline.

Ambry Genetics
Classification: Uncertain significance for Hereditary cancer-predisposing syndrome. Last evaluated: 2023-12-19. Review status: criteria provided, single submitter. Criteria: Ambry Variant Classification Scheme 2023. Collection method: clinical testing. Allele origin: germline.
Comment: The p.P817A variant (also known as c.2449C>G), located in coding exon 15 of the DICER1 gene, results from a C to G substitution at nucleotide position 2449. The proline at codon 817 is replaced by alanine, an amino acid with highly similar properties. This amino acid position is highly conserved in available vertebrate species. In addition, this alteration is predicted to be deleterious by in silico analysis. Since supporting evidence is limited at this time, the clinical significance of this alteration remains unclear.